The following is an entry in ClinVar:

NM_014252.4(SLC25A15):c.823C>G (p.Arg275Gly)

Gene: SLC25A15 (solute carrier family 25 member 15; plus strand). Cytogenetic location: 13q14.11.
Variant type: single nucleotide variant.
Coding change: c.823C>G on transcript NM_014252.4 (MANE Select); coding-DNA position 823, C replaced by G.
Protein change: p.Arg275Gly; replaces arginine 275 with glycine.
Molecular consequence: missense variant.
Genome position (GRCh38, 1-based): chr13:40,809,584, C>G. VCF-style: chr13-40809584-C-G. GRCh37 (hg19) VCF-style: chr13-41383720-C-G.
Other names: short protein forms R275G.
Identifiers: ClinVar variation 3895971 (VCV003895971.1).

ClinVar aggregate classification (germline): Uncertain significance (1 of 4 stars; one submission).

Submission:

Women's Health and Genetics/Laboratory Corporation of America, LabCorp
Classification: Uncertain significance. Last evaluated: 2025-03-25. Review status: criteria provided, single submitter. Criteria: LabCorp Variant Classification Summary - May 2015. Collection method: clinical testing. Allele origin: germline.
Comment: Variant summary: SLC25A15 c.823C>G (p.Arg275Gly) results in a non-conservative amino acid change in the encoded protein sequence. Five of five in-silico tools predict a damaging effect of the variant on protein function. The variant was absent in 251146 control chromosomes. c.823C>G has been reported in the literature in individuals affected with Hyperornithinemia-Hyperammonemia-Homocitrullinuria Syndrome (example: Olivieri_2019). These data indicate that the variant may be associated with disease. To our knowledge, no experimental evidence demonstrating an impact on protein function has been reported. The following publication has been ascertained in the context of this evaluation (PMID: 31443672). No submitters have cited clinical-significance assessments for this variant to ClinVar. Based on the evidence outlined above, the variant was classified as VUS-possibly pathogenic.

Literature cited by the submitters: PubMed 31443672.